The following is an entry in ClinVar:

ClinVar aggregate classification (germline): Pathogenic/Likely pathogenic. Review status: criteria provided, multiple submitters, no conflicts (2 of 4 stars). 2 submissions from 2 submitters: Pathogenic (1); Likely pathogenic (1). Last evaluated 2025-04-16.

Conditions:
Saldino-Mainzer syndrome (SRTD9). Also called: Renal dysplasia, retinal pigmentary dystrophy, cerebellar ataxia and skeletal dysplasia; CONORENAL SYNDROME; SHORT-RIB THORACIC DYSPLASIA 9 WITHOUT POLYDACTYLY; short-rib thoracic dysplasia 9 with or without polydactyly. Identifiers: Orphanet 140969, MedGen C1849437, MONDO:0009964, OMIM 266920.
IFT140-related disorders.

Submissions (2):

Labcorp Genetics (formerly Invitae), Labcorp
Classification: Pathogenic for Saldino-Mainzer syndrome. Last evaluated: 2025-04-16. Review status: criteria provided, single submitter. Criteria: Invitae Variant Classification Sherloc (09022015). Collection method: clinical testing. Allele origin: germline.
Comment: This sequence change creates a premature translational stop signal (p.Leu1225Alafs*27) in the IFT140 gene. It is expected to result in an absent or disrupted protein product. Loss-of-function variants in IFT140 are known to be pathogenic (PMID: 22503633, 23418020, 24009529, 26216056). This variant is present in population databases (rs754400742, gnomAD 0.003%). This variant has not been reported in the literature in individuals affected with IFT140-related conditions. For these reasons, this variant has been classified as Pathogenic.

Blueprint Genetics
Classification: Likely pathogenic for IFT140-related disorders. Last evaluated: 2019-01-29. Review status: criteria provided, single submitter. Criteria: ACMG Guidelines, 2015. Collection method: clinical testing. Allele origin: germline. Affected: yes. Observed: 1 variant allele.

Literature cited by the submitters: PubMed 22503633 (cited by Labcorp Genetics (formerly Invitae), Labcorp); PubMed 23418020 (cited by Labcorp Genetics (formerly Invitae), Labcorp); PubMed 24009529 (cited by Labcorp Genetics (formerly Invitae), Labcorp); PubMed 26216056 (cited by Labcorp Genetics (formerly Invitae), Labcorp).

NM_014714.4(IFT140):c.3672_3673del (p.Leu1225fs)

Gene: IFT140 (intraflagellar transport 140; minus strand). Cytogenetic location: 16p13.3.
Variant type: Microsatellite.
Coding change: c.3672_3673del on transcript NM_014714.4 (MANE Select); coding-DNA positions 3672 to 3673, 2 bases deleted (GC; older notation c.3672_3673delGC).
Protein change: p.Leu1225fs; shifts the reading frame from leucine 1225.
Molecular consequence: frameshift variant.
Genome position (GRCh38, 1-based): chr16:1,520,331-1,520,332, GC deleted on the plus strand (GC on the coding strand, the reverse complement: IFT140 is on the minus strand); deleting any 2 consecutive bases within chr16:1,520,331-1,520,334 gives the same sequence; the c. name uses the placement nearest the transcript's 3' end. VCF-style (leftmost placement, unchanged base first): chr16-1520330-AGC-A. GRCh37 (hg19) VCF-style: chr16-1570331-AGC-A.
Other names: short protein forms L1225fs.
Identifiers: ClinVar variation 1391918 (VCV001391918.7), dbSNP rs754400742, ClinGen allele CA7813062.